The following is an entry in ClinVar:

ClinVar aggregate classification (germline): Uncertain significance. Review status: criteria provided, multiple submitters, no conflicts (2 of 4 stars). 3 submissions from 3 submitters: Uncertain significance (2). 1 of the submissions does not count toward it. Last evaluated 2022-09-08.

Conditions:
PKD1-related disorder. Also called: PKD1-related condition.
Polycystic kidney disease, adult type (PKD1). Also called: Polycystic Kidney Disease 1, Autosomal Dominant; Polycystic kidney disease 1; Polycystic kidney disease 1, severe; POLYCYSTIC KIDNEY DISEASE, ADULT, TYPE I; Polycystic Kidney, Autosomal Dominant; POLYCYSTIC KIDNEY DISEASE 1 WITH OR WITHOUT POLYCYSTIC LIVER DISEASE. Identifiers: MedGen C3149841, MONDO:0008263, OMIM 173900.

Allele frequency attached by ClinVar (database versions not stated): ExAC 0.00004; gnomAD 0.00005; ESP Exome Variant Server 0.00008.
gnomAD v4.1: 72 of 1,589,730 alleles (0.0045%); highest among the groups gnomAD compares: Non-Finnish European, 0.0058%; no homozygotes.

Submissions (3):

GeneDx
Classification: Uncertain significance. Last evaluated: 2022-09-08. Review status: criteria provided, single submitter. Criteria: GeneDx Variant Classification Process June 2021. Collection method: clinical testing. Allele origin: germline. Affected: yes.
Comment: In silico analysis supports that this missense variant does not alter protein structure/function; Has not been previously published as pathogenic or benign to our knowledge

Department of Pathology and Laboratory Medicine, Sinai Health System
Classification: Uncertain significance for Polycystic kidney disease, adult type. Last evaluated: 2022-08-09. Review status: criteria provided, single submitter. Criteria: ACMG Guidelines, 2015. Collection method: clinical testing. Allele origin: germline. Affected: yes.

PreventionGenetics, part of Exact Sciences
Classification: Uncertain significance for PKD1-related condition. Last evaluated: 2024-07-30. Review status: no assertion criteria provided. Collection method: clinical testing. Allele origin: germline. Not counted in ClinVar's aggregate classification.
Comment: The PKD1 c.5933A>G variant is predicted to result in the amino acid substitution p.Asn1978Ser. To our knowledge, this variant has not been reported in the literature. This variant is reported in 0.0049% of alleles in individuals of European (Non-Finnish) descent in gnomAD. At this time, the clinical significance of this variant is uncertain due to the absence of conclusive functional and genetic evidence.

NM_001009944.3(PKD1):c.5933A>G (p.Asn1978Ser)

Gene: PKD1 (polycystin 1, transient receptor potential channel interacting; minus strand). Cytogenetic location: 16p13.3.
Variant type: single nucleotide variant.
Coding change: c.5933A>G on transcript NM_001009944.3 (MANE Select); coding-DNA position 5933, A replaced by G.
Protein change: p.Asn1978Ser; replaces asparagine 1978 with serine.
Molecular consequence: missense variant.
Genome position (GRCh38, 1-based): chr16:2,109,234, T>C on the plus strand (A>G on the coding strand, the complement: PKD1 is on the minus strand). VCF-style: chr16-2109234-T-C. GRCh37 (hg19) VCF-style: chr16-2159235-T-C.
Other names: c.5933A>G, p.Asn1978Ser (NM_000296.4); short protein forms N1978S.
Identifiers: ClinVar variation 2443647 (VCV002443647.3), dbSNP rs373707925, ClinGen allele CA7831800.